The following is an entry in ClinVar:

NM_001164508.2(NEB):c.6868G>A (p.Ala2290Thr)

Gene: NEB (nebulin; minus strand). Cytogenetic location: 2q23.3.
Variant type: single nucleotide variant.
Coding change: c.6868G>A on transcript NM_001164508.2 (MANE Select); coding-DNA position 6868, G replaced by A.
Protein change: p.Ala2290Thr; replaces alanine 2290 with threonine.
Molecular consequence: missense variant.
Genome position (GRCh38, 1-based): chr2:151,654,039, C>T on the plus strand (G>A on the coding strand, the complement: NEB is on the minus strand). VCF-style: chr2-151654039-C-T. GRCh37 (hg19) VCF-style: chr2-152510553-C-T.
Other names: c.6868G>A, p.Ala2290Thr (NM_001164507.2, NM_001271208.2, NM_004543.5); short protein forms A2290T.
Identifiers: ClinVar variation 960326 (VCV000960326.10), dbSNP rs777601721, ClinGen allele CA1909980.

ClinVar aggregate classification (germline): Conflicting classifications of pathogenicity. Review status: criteria provided, conflicting classifications (1 of 4 stars). 3 submissions from 3 submitters: Uncertain significance (1); Likely benign (1). 1 of the submissions does not count toward it. Last evaluated 2025-11-10.

Conditions:
NEB-related disorder. Also called: NEB-related condition; NEB-Related Disorders.
Nemaline myopathy 2 (NEM2). Also called: Nemaline myopathy 2, autosomal recessive. Identifiers: MedGen C1850569, MONDO:0009725, OMIM 256030.

Allele frequency attached by ClinVar (database versions not stated): ExAC 0.00001; gnomAD 0.00001; gnomAD exomes 0.00001; TOPMed 0.00001.
gnomAD v4.1: 4 of 1,612,532 alleles (0.00025%); highest among the groups gnomAD compares: Admixed American, 0.0067%; no homozygotes.

Submissions (3):

Labcorp Genetics (formerly Invitae), Labcorp
Classification: Likely benign for Nemaline myopathy 2. Last evaluated: 2025-11-10. Review status: criteria provided, single submitter. Criteria: Invitae Variant Classification Sherloc (09022015). Collection method: clinical testing. Allele origin: germline.

PreventionGenetics, part of Exact Sciences
Classification: Uncertain significance for NEB-related condition. Last evaluated: 2023-01-06. Review status: criteria provided, single submitter. Criteria: ACMG Guidelines, 2015. Collection method: clinical testing. Allele origin: germline.
Comment: The NEB c.6868G>A variant is predicted to result in the amino acid substitution p.Ala2290Thr. To our knowledge, this variant has not been reported in the literature. This variant is reported in 0.0087% of alleles in individuals of Latino descent in gnomAD. At this time, the clinical significance of this variant is uncertain due to the absence of conclusive functional and genetic evidence.

Natera, Inc.
Classification: Uncertain significance for Nemaline myopathy type 2. Last evaluated: 2020-02-21. Review status: no assertion criteria provided. Collection method: clinical testing. Allele origin: germline. Not counted in ClinVar's aggregate classification.